The following is an entry in ClinVar:

NM_017637.6(BNC2):c.1101C>T (p.Ser367=)

Gene: BNC2 (basonuclin zinc finger protein 2; minus strand). Cytogenetic location: 9p22.3.
Variant type: single nucleotide variant.
Coding change: c.1101C>T on transcript NM_017637.6 (MANE Select); coding-DNA position 1101, C replaced by T.
Protein change: p.Ser367=; no amino-acid change (serine 367 retained).
Molecular consequence: synonymous variant.
Genome position (GRCh38, 1-based): chr9:16,437,093, G>A on the plus strand (C>T on the coding strand, the complement: BNC2 is on the minus strand). VCF-style: chr9-16437093-G-A. GRCh37 (hg19) VCF-style: chr9-16437091-G-A.
Other names: c.975C>T, p.Ser325= (NM_001317939.2); c.816C>T, p.Ser272= (NM_001317940.2).
Identifiers: ClinVar variation 726519 (VCV000726519.4), dbSNP rs529654936, ClinGen allele CA4996123.

ClinVar aggregate classification (germline): Likely benign. Review status: criteria provided, multiple submitters, no conflicts (2 of 4 stars). 2 submissions from 2 submitters: Likely benign (2). Last evaluated 2025-04-20.

Conditions:
BNC2-related disorder. Also called: BNC2-related condition.

Allele frequency attached by ClinVar (database versions not stated): gnomAD 0.00001 and 0.00003; TOPMed 0.00001; gnomAD exomes 0.00008 and 0.00021; 1000 Genomes Project 30x 0.00016; 1000 Genomes Project 0.00020; ExAC 0.00026.
gnomAD v4.1: 129 of 1,614,106 alleles (0.008%); highest among the groups gnomAD compares: South Asian, 0.13%; 1 homozygote.

Submissions (2):

PreventionGenetics, part of Exact Sciences
Classification: Likely benign for BNC2-related condition. Last evaluated: 2025-04-20. Review status: criteria provided, single submitter. Criteria: ACMG Guidelines, 2015. Collection method: clinical testing. Allele origin: germline.
Comment: This variant is classified as likely benign based on ACMG/AMP sequence variant interpretation guidelines (Richards et al. 2015 PMID: 25741868, with internal and published modifications).

Labcorp Genetics (formerly Invitae), Labcorp
Classification: Likely benign. Last evaluated: 2018-07-02. Review status: criteria provided, single submitter. Criteria: Invitae Variant Classification Sherloc (09022015). Collection method: clinical testing. Allele origin: germline.